The following is an entry in ClinVar:

NM_012401.4(PLXNB2):c.237G>A (p.Thr79=)

Gene: PLXNB2 (plexin B2; minus strand). Cytogenetic location: 22q13.33.
Variant type: single nucleotide variant.
Coding change: c.237G>A on transcript NM_012401.4 (MANE Select); coding-DNA position 237, G replaced by A.
Protein change: p.Thr79=; no amino-acid change (threonine 79 retained).
Molecular consequence: synonymous variant.
Genome position (GRCh38, 1-based): chr22:50,290,348, C>T on the plus strand (G>A on the coding strand, the complement: PLXNB2 is on the minus strand). VCF-style: chr22-50290348-C-T. GRCh37 (hg19) VCF-style: chr22-50728777-C-T.
Other names: c.237G>A, p.Thr79= (NM_001376864.1, NM_001376865.1, NM_001376866.1 and 20 more transcripts).
Identifiers: ClinVar variation 3898200 (VCV003898200.7).

ClinVar aggregate classification (germline): Likely benign (1 of 4 stars; one submission).

gnomAD v4.1: 760 of 1,612,592 alleles (0.047%); highest among the groups gnomAD compares: African/African-American, 0.15%; 1 homozygote.

Submission:

CeGaT Center for Human Genetics Tuebingen
Classification: Likely benign. Last evaluated: 2025-04-01. Review status: criteria provided, single submitter. Criteria: CeGaT Center For Human Genetics Tuebingen Variant Classification Criteria Version 2. Collection method: clinical testing. Allele origin: germline. Affected: yes. Observed: 1 variant allele.
Comment: PLXNB2: BP4, BP7